The following is an entry in ClinVar:

ClinVar aggregate classification (germline): Conflicting classifications of pathogenicity. Review status: criteria provided, conflicting classifications (1 of 4 stars). 5 submissions from 5 submitters: Uncertain significance (4); Likely benign (1). Last evaluated 2025-10-01.

Conditions:
Inborn genetic diseases. Identifiers: MedGen C0950123, MeSH D030342.
Acute myeloid leukemia (AML). Also called: Leukemia, acute myeloid, somatic; Leukemia, acute myelogenous, somatic; Acute myeloid leukemia, adult; AML adult; Acute non-lymphocytic leukemia; Acute granulocytic leukemia. Identifiers: Orphanet 519, MedGen C0023467, MeSH D015470, MONDO:0018874, OMIM 601626, HP:0004808. Disease mechanism: Constitutively activated FLT3.

Allele frequency attached by ClinVar (database versions not stated): gnomAD 0.00001; gnomAD exomes 0.00001; TOPMed 0.00002.
gnomAD v4.1: 7 of 1,184,892 alleles (0.00059%); highest among the groups gnomAD compares: Non-Finnish European, 0.00073%; no homozygotes.

Submissions (5):

Labcorp Genetics (formerly Invitae), Labcorp
Classification: Uncertain significance for Acute myeloid leukemia. Last evaluated: 2025-10-01. Review status: criteria provided, single submitter. Criteria: Invitae Variant Classification Sherloc (09022015). Collection method: clinical testing. Allele origin: germline.
Comment: This sequence change replaces proline, which is neutral and non-polar, with serine, which is neutral and polar, at codon 128 of the CEBPA protein (p.Pro128Ser). This variant is present in population databases (no rsID available, gnomAD 0.007%). This variant has not been reported in the literature in individuals affected with CEBPA-related conditions. ClinVar contains an entry for this variant (Variation ID: 526813). Invitae Evidence Modeling of protein sequence and biophysical properties (such as structural, functional, and spatial information, amino acid conservation, physicochemical variation, residue mobility, and thermodynamic stability) indicates that this missense variant is not expected to disrupt CEBPA protein function with a negative predictive value of 80%. In summary, the available evidence is currently insufficient to determine the role of this variant in disease. Therefore, it has been classified as a Variant of Uncertain Significance.

Ambry Genetics
Classification: Likely benign for Inborn genetic diseases. Last evaluated: 2024-12-12. Review status: criteria provided, single submitter. Criteria: Ambry Variant Classification Scheme 2023. Collection method: clinical testing. Allele origin: germline.

Blueprint Genetics
Classification: Uncertain significance. Last evaluated: 2024-11-26. Review status: criteria provided, single submitter. Criteria: ACMG Guidelines, 2015. Collection method: clinical testing. Allele origin: germline.

GeneDx
Classification: Uncertain significance. Last evaluated: 2024-11-18. Review status: criteria provided, single submitter. Criteria: GeneDx Variant Classification Process June 2021. Collection method: clinical testing. Allele origin: germline. Affected: yes.
Comment: Not observed at significant frequency in large population cohorts (gnomAD); In silico analysis indicates that this missense variant does not alter protein structure/function; Has not been previously published as pathogenic or benign to our knowledge; This variant is associated with the following publications: (PMID: 21455213)

Baylor Genetics
Classification: Uncertain significance for Acute myeloid leukemia. Last evaluated: 2023-06-12. Review status: criteria provided, single submitter. Criteria: ACMG Guidelines, 2015. Collection method: clinical testing. Allele origin: unknown.

NM_004364.5(CEBPA):c.382C>T (p.Pro128Ser)

Gene: CEBPA (CCAAT enhancer binding protein alpha; minus strand). Cytogenetic location: 19q13.11.
Variant type: single nucleotide variant.
Coding change: c.382C>T on transcript NM_004364.5 (MANE Select); coding-DNA position 382, C replaced by T.
Protein change: p.Pro128Ser; replaces proline 128 with serine.
Molecular consequence: missense variant.
Genome position (GRCh38, 1-based): chr19:33,302,033, G>A on the plus strand (C>T on the coding strand, the complement: CEBPA is on the minus strand). VCF-style: chr19-33302033-G-A. GRCh37 (hg19) VCF-style: chr19-33792939-G-A.
Other names: c.25C>T, p.Pro9Ser (NM_001285829.2); c.487C>T, p.Pro163Ser (NM_001287424.2); c.340C>T, p.Pro114Ser (NM_001287435.2); c.382C>T (NM_004364.3); short protein forms P128S, P114S, P9S, P163S.
Identifiers: ClinVar variation 526813 (VCV000526813.16), dbSNP rs1362518517, ClinGen allele CA405275070.